The following is an entry in ClinVar:

ClinVar aggregate classification (germline): Uncertain significance (1 of 4 stars; one submission).

Conditions:
Hereditary cancer-predisposing syndrome. Also called: Neoplastic Syndromes, Hereditary; Tumor predisposition; Hereditary Cancer Syndrome; Hereditary neoplastic syndrome. Identifiers: Orphanet 140162, MedGen C0027672, MeSH D009386, MONDO:0015356.

Submission:

Ambry Genetics
Classification: Uncertain significance for Hereditary cancer-predisposing syndrome. Last evaluated: 2022-02-26. Review status: criteria provided, single submitter. Criteria: Ambry Variant Classification Scheme 2023. Collection method: clinical testing. Allele origin: germline.
Comment: The p.G1014V variant (also known as c.3041G>T), located in coding exon 19 of the BRIP1 gene, results from a G to T substitution at nucleotide position 3041. The glycine at codon 1014 is replaced by valine, an amino acid with dissimilar properties. This amino acid position is conserved. In addition, this alteration is predicted to be tolerated by in silico analysis. Since supporting evidence is limited at this time, the clinical significance of this alteration remains unclear.

NM_032043.3(BRIP1):c.3041G>T (p.Gly1014Val)

Gene: BRIP1 (BRCA1 interacting DNA helicase 1; minus strand). Cytogenetic location: 17q23.2.
Variant type: single nucleotide variant.
Coding change: c.3041G>T on transcript NM_032043.3 (MANE Select); coding-DNA position 3041, G replaced by T.
Protein change: p.Gly1014Val; replaces glycine 1014 with valine.
Molecular consequence: missense variant.
Genome position (GRCh38, 1-based): chr17:61,684,005, C>A on the plus strand (G>T on the coding strand, the complement: BRIP1 is on the minus strand). VCF-style: chr17-61684005-C-A. GRCh37 (hg19) VCF-style: chr17-59761366-C-A.
Other names: short protein forms G1014V.
Identifiers: ClinVar variation 1799167 (VCV001799167.2), dbSNP rs876659757, ClinGen allele CA400479930.